The following is an entry in ClinVar:

NM_000038.6(APC):c.122C>A (p.Ala41Glu)

Gene: APC (APC regulator of Wnt signaling pathway; plus strand). Cytogenetic location: 5q22.2.
Variant type: single nucleotide variant.
Coding change: c.122C>A on transcript NM_000038.6 (MANE Select); coding-DNA position 122, C replaced by A.
Protein change: p.Ala41Glu; replaces alanine 41 with glutamic acid.
Molecular consequence: missense variant. On other transcripts: 5 prime UTR variant (4), non-coding transcript variant (2), intron variant (11).
Genome position (GRCh38, 1-based): chr5:112,755,012, C>A. VCF-style: chr5-112755012-C-A. GRCh37 (hg19) VCF-style: chr5-112090709-C-A.
Other names: c.122C>A, p.Ala41Glu (NM_001127510.3, NM_001354895.2, NM_001354896.2 and 16 more transcripts); c.-914C>A (NM_001354906.2, NM_001407470.1, NM_001407471.1 and 1 more transcripts); c.166-11314C>A (NM_001407446.1, NM_001354897.2, NM_001354902.2 and 1 more transcripts); c.-42-11314C>A (NM_001407453.1, NM_001354900.2, NM_001354901.2 and 1 more transcripts); c.61-11314C>A (NM_001407451.1, NM_001354898.2, NM_001354904.2); short protein forms A41E.
Identifiers: ClinVar variation 3675540 (VCV003675540.2).

ClinVar aggregate classification (germline): Uncertain significance (1 of 4 stars; one submission).

Conditions:
Familial adenomatous polyposis 1 (FAP1). Also called: POLYPOSIS, ADENOMATOUS INTESTINAL; FAMILIAL ADENOMATOUS POLYPOSIS 1, ATTENUATED. Identifiers: MedGen C2713442, MONDO:0021056, OMIM 175100. Disease mechanism: loss of function.

Submission:

Labcorp Genetics (formerly Invitae), Labcorp
Classification: Uncertain significance for Familial adenomatous polyposis 1. Last evaluated: 2024-04-16. Review status: criteria provided, single submitter. Criteria: Invitae Variant Classification Sherloc (09022015). Collection method: clinical testing. Allele origin: germline.
Comment: This sequence change replaces alanine, which is neutral and non-polar, with glutamic acid, which is acidic and polar, at codon 41 of the APC protein (p.Ala41Glu). This variant is not present in population databases (gnomAD no frequency). This variant has not been reported in the literature in individuals affected with APC-related conditions. Advanced modeling of protein sequence and biophysical properties (such as structural, functional, and spatial information, amino acid conservation, physicochemical variation, residue mobility, and thermodynamic stability) performed at Invitae indicates that this missense variant is not expected to disrupt APC protein function with a negative predictive value of 95%. In summary, the available evidence is currently insufficient to determine the role of this variant in disease. Therefore, it has been classified as a Variant of Uncertain Significance.